The following is an entry in ClinVar:

ClinVar aggregate classification (germline): Uncertain significance (1 of 4 stars; one submission).

Allele frequency attached by ClinVar (database versions not stated): gnomAD 0.00001; TOPMed 0.00001.
gnomAD v4.1: 6 of 1,314,008 alleles (0.00046%); highest among the groups gnomAD compares: Non-Finnish European, 0.00059%; no homozygotes.

Submission:

Labcorp Genetics (formerly Invitae), Labcorp
Classification: Uncertain significance. Last evaluated: 2022-10-03. Review status: criteria provided, single submitter. Criteria: Invitae Variant Classification Sherloc (09022015). Collection method: clinical testing. Allele origin: germline.
Comment: In summary, the available evidence is currently insufficient to determine the role of this variant in disease. Therefore, it has been classified as a Variant of Uncertain Significance. Algorithms developed to predict the effect of missense changes on protein structure and function are either unavailable or do not agree on the potential impact of this missense change (SIFT: "Tolerated"; PolyPhen-2: "Probably Damaging"; Align-GVGD: "Class C0"). This variant has not been reported in the literature in individuals affected with GSN-related conditions. This variant is present in population databases (no rsID available, gnomAD 0.007%). This sequence change replaces alanine, which is neutral and non-polar, with valine, which is neutral and non-polar, at codon 13 of the GSN protein (p.Ala13Val).

NM_198252.3(GSN):c.-9-2064C>T

Gene: GSN (gelsolin; plus strand). Cytogenetic location: 9q33.2.
Variant type: single nucleotide variant.
Coding change: c.-9-2064C>T on transcript NM_198252.3 (MANE Select); 2064 bases into the intron before 9 bases upstream of the start codon, C replaced by T.
Molecular consequence: intron variant. On other transcripts: missense variant (1).
Genome position (GRCh38, 1-based): chr9:121,299,899, C>T. VCF-style: chr9-121299899-C-T. GRCh37 (hg19) VCF-style: chr9-124062177-C-T.
Other names: c.38C>T, p.Ala13Val (NM_000177.5); c.-9-2064C>T (NM_001353054.1, NM_001353053.1, NM_001353060.2 and 5 more transcripts); c.-47-157C>T (NM_001353064.2, NM_001353066.2, NM_001353072.2 and 8 more transcripts); c.-1-2072C>T (NM_001353058.2, NM_001353059.2, NM_001353056.2 and 1 more transcripts); c.-38-166C>T (NM_001353073.2, NM_001353065.2, NM_001353068.2 and 2 more transcripts); c.100-2064C>T (NM_001127663.2); c.-32-172C>T (NM_001353070.2); c.-48-2025C>T (NM_001353055.2); and 3 more; short protein forms A13V.
Identifiers: ClinVar variation 1898389 (VCV001898389.5), dbSNP rs939586966, ClinGen allele CA199406382.
Genomic context (GRCh38, chr9:121,299,899, plus strand): 5'-GGTCCCCTGCCGCTGTCGCCACCATGGCTCCGCACCGCCCCGCGCCCGCGCTGCTTTGCG[C>T]GCTGTCCCTGGCGCTGTGCGCGCTGTCGCTGCCCGTCCGCGCGGCCACTGCGTCGCGGGG-3'